The following is an entry in ClinVar:

ClinVar aggregate classification (germline): Conflicting classifications of pathogenicity. Review status: criteria provided, conflicting classifications (1 of 4 stars). 7 submissions from 7 submitters: Uncertain significance (2); Benign (4); Likely benign (1). Last evaluated 2025-06-25.

Conditions:
Aortic aneurysm, familial thoracic 4 (AAT4). Also called: AORTIC ANEURYSM/AORTIC DISSECTION AND PATENT DUCTUS ARTERIOSUS. Identifiers: MedGen C1851504, MONDO:0007568, OMIM 132900.
Cardiovascular phenotype. Identifiers: MedGen CN230736.
Familial thoracic aortic aneurysm and aortic dissection (TAAD). Also called: Thoracic aortic aneurysms and dissections. Identifiers: Orphanet 91387, MedGen C4707243, MONDO:0019625.

Submissions (7):

ARUP Laboratories, Molecular Genetics and Genomics, ARUP Laboratories
Classification: Benign. Last evaluated: 2025-06-25. Review status: criteria provided, single submitter. Criteria: ARUP Molecular Germline Variant Investigation Process 2024. Collection method: clinical testing. Allele origin: germline.

Women's Health and Genetics/Laboratory Corporation of America, LabCorp
Classification: Benign. Last evaluated: 2021-05-24. Review status: criteria provided, single submitter. Criteria: LabCorp Variant Classification Summary - May 2015. Collection method: clinical testing. Allele origin: germline.
Comment: Variant summary: MYH11 c.3672+5_3672+11delinsG alters a non-conserved nucleotide located close to a canonical splice site and therefore could affect mRNA splicing, leading to a significantly altered protein sequence. 4/4 computational tools predict no significant impact on normal splicing. However, these predictions have yet to be confirmed by functional studies. The variant allele was found at a frequency of approximately 0.0017 in 282664 control chromosomes, predominantly at a frequency of 0.019 within the African or African-American subpopulation in the gnomAD database, including 15 homozygotes. The observed variant frequency within African or African-American control individuals in the gnomAD database is much higher than the estimated maximal expected allele frequency for a pathogenic variant in MYH11 causing Aortopathy phenotype (1.3e-06), strongly suggesting that the variant is a benign polymorphism found primarily in populations of African or African-American origin. c.3672+5_3672+11delinsG has been reported in the literature in at least one individual affected with thoracic aortic aneurysm (e.g. Bee_2012). This report does not provide unequivocal conclusions about association of the variant with Aortopathy. To our knowledge, no experimental evidence demonstrating an impact on protein function has been reported. Four clinical diagnostic laboratories have submitted clinical-significance assessments for this variant to ClinVar after 2014 without evidence for independent evaluation, citing the variant as benign/ likely benign (n=3) and uncertain significance (n=1). Based on the evidence outlined above, the variant was classified as benign.

CHEO Genetics Diagnostic Laboratory, Children's Hospital of Eastern Ontario
Classification: Benign for Familial thoracic aortic aneurysm and aortic dissection. Last evaluated: 2019-11-01. Review status: criteria provided, single submitter. Criteria: ACMG Guidelines, 2015. Collection method: clinical testing. Allele origin: germline.

Color Diagnostics, LLC DBA Color Health
Classification: Likely benign for Familial thoracic aortic aneurysm and aortic dissection. Last evaluated: 2018-10-02. Review status: criteria provided, single submitter. Criteria: ACMG Guidelines, 2015. Collection method: clinical testing. Allele origin: germline.

Labcorp Genetics (formerly Invitae), Labcorp
Classification: Uncertain significance for Aortic aneurysm, familial thoracic 4. Last evaluated: 2016-01-14. Review status: criteria provided, single submitter. Criteria: Invitae Variant Classification Sherloc (09022015). Collection method: clinical testing. Allele origin: germline.

GeneDx
Classification: Benign for Thoracic aortic aneurysms and aortic dissections. Last evaluated: 2014-06-17. Review status: criteria provided, single submitter. Criteria: GeneDx Variant Classification (06012015). Collection method: clinical testing. Allele origin: germline. Affected: yes.
Comment: The variant is found in TAAD panel(s).

Ambry Genetics
Classification: Uncertain significance for Cardiovascular phenotype. Last evaluated: 2012-08-28. Review status: criteria provided, single submitter. Criteria: Ambry Autosomal Dominant and X-Linked criteria (10/2015). Collection method: clinical testing. Allele origin: germline. Observed: 1 variant allele.
Comment: There is insufficient or conflicting evidence for classification of this alteration.

Literature cited by the submitters: PubMed 23099432 (cited by Women's Health and Genetics/Laboratory Corporation of America, LabCorp).

NM_002474.3(MYH11):c.3651+5_3651+11delinsG

Gene: MYH11 (myosin heavy chain 11; minus strand). Cytogenetic location: 16p13.11.
Variant type: Indel.
Coding change: c.3651+5_3651+11delinsG on transcript NM_002474.3 (MANE Select); bases 5 to 11 of the intron after coding-DNA position 3651, TGCTTTT replaced by G.
Molecular consequence: intron variant.
Genome position (GRCh38, 1-based): chr16:15,732,553-15,732,559, AAAAGCA replaced by C on the plus strand (TGCTTTT replaced by G on the coding strand, the reverse complement: MYH11 is on the minus strand). VCF-style: chr16-15732553-AAAAGCA-C. GRCh37 (hg19) VCF-style: chr16-15826410-AAAAGCA-C.
Other names: c.3651+5_3651+11delinsG (NM_022844.3); c.3672+5_3672+11delinsG (NM_001040114.2, NM_001040113.2).
Identifiers: ClinVar variation 201029 (VCV000201029.16), dbSNP rs371843272, ClinGen allele CA306453.